The following is an entry in ClinVar:

NM_001374736.1(DST):c.21310A>G (p.Lys7104Glu)

Gene: DST (dystonin; minus strand). Cytogenetic location: 6p12.1.
Variant type: single nucleotide variant.
Coding change: c.21310A>G on transcript NM_001374736.1 (MANE Select); coding-DNA position 21310, A replaced by G.
Protein change: p.Lys7104Glu; replaces lysine 7104 with glutamic acid.
Molecular consequence: missense variant.
Genome position (GRCh38, 1-based): chr6:56,482,775, T>C on the plus strand (A>G on the coding strand, the complement: DST is on the minus strand). VCF-style: chr6-56482775-T-C. GRCh37 (hg19) VCF-style: chr6-56347573-T-C.
Other names: c.14953A>G, p.Lys4985Glu (NM_001144769.5); c.14539A>G, p.Lys4847Glu (NM_001144770.2); c.21310A>G, p.Lys7104Glu (NM_001374722.1); c.20350A>G, p.Lys6784Glu (NM_001374729.1); c.14092A>G, p.Lys4698Glu (NM_001374730.1); c.21337A>G, p.Lys7113Glu (NM_001374734.1); c.14419A>G, p.Lys4807Glu (NM_001386100.1, NM_183380.4); c.13441A>G, p.Lys4481Glu (NM_015548.5); short protein forms K7113E, K4698E, K4847E, K6784E, K7104E, K4481E, K4807E, K4985E.
Identifiers: ClinVar variation 1487383 (VCV001487383.6), dbSNP rs2152422825, ClinGen allele CA364512207.

ClinVar aggregate classification (germline): Uncertain significance (1 of 4 stars; one submission).

Conditions:
Hereditary sensory and autonomic neuropathy type 6. Also called: HSAN VI; Neuropathy, hereditary sensory and autonomic, type VI. Identifiers: Orphanet 314381, MedGen C3539003, MONDO:0013839, OMIM 614653.
Epidermolysis bullosa simplex 3, localized or generalized intermediate, with BP230 deficiency (EBS3). Also called: Epidermolysis bullosa simplex, autosomal recessive 2; Epidermolysis bullosa simplex due to BP230 deficiency. Identifiers: Orphanet 412181, MedGen C3809470, MONDO:0014180, OMIM 615425.

Submission:

Labcorp Genetics (formerly Invitae), Labcorp
Classification: Uncertain significance for Epidermolysis bullosa simplex 3, localized or generalized intermediate, with BP230 deficiency; Hereditary sensory and autonomic neuropathy type 6. Last evaluated: 2022-07-19. Review status: criteria provided, single submitter. Criteria: Invitae Variant Classification Sherloc (09022015). Collection method: clinical testing. Allele origin: germline.
Comment: This sequence change replaces lysine, which is basic and polar, with glutamic acid, which is acidic and polar, at codon 4481 of the DST protein (p.Lys4481Glu). In summary, the available evidence is currently insufficient to determine the role of this variant in disease. Therefore, it has been classified as a Variant of Uncertain Significance. Experimental studies and prediction algorithms are not available or were not evaluated, and the functional significance of this variant is currently unknown. This variant has not been reported in the literature in individuals affected with DST-related conditions. This variant is not present in population databases (gnomAD no frequency). The DST gene has multiple clinically relevant transcripts. This variant occurs in alternate transcript NM_015548.4, and corresponds to NM_001723:c.*132742A>G in the primary transcript.